The following is an entry in ClinVar:

ClinVar aggregate classification (germline): Pathogenic (1 of 4 stars; one submission).

Submission:

Labcorp Genetics (formerly Invitae), Labcorp
Classification: Pathogenic. Last evaluated: 2024-07-11. Review status: criteria provided, single submitter. Criteria: Invitae Variant Classification Sherloc (09022015). Collection method: clinical testing. Allele origin: germline.
Comment: This sequence change creates a premature translational stop signal (p.Arg181Hisfs*17) in the ECHS1 gene. It is expected to result in an absent or disrupted protein product. Loss-of-function variants in ECHS1 are known to be pathogenic (PMID: 25393721, 26000322, 27090768). This variant is not present in population databases (gnomAD no frequency). This variant has not been reported in the literature in individuals affected with ECHS1-related conditions. For these reasons, this variant has been classified as Pathogenic.

Literature cited by the submitters: PubMed 25393721; PubMed 26000322; PubMed 27090768.

NM_004092.4(ECHS1):c.533_536dup (p.Arg181fs)

Gene: ECHS1 (enoyl-CoA hydratase, short chain 1; minus strand). Cytogenetic location: 10q26.3.
Variant type: Duplication.
Coding change: c.533_536dup on transcript NM_004092.4 (MANE Select); coding-DNA positions 533 to 536, 4 bases duplicated (GACT; older notation c.533_536dupGACT).
Protein change: p.Arg181fs; shifts the reading frame from arginine 181.
Molecular consequence: frameshift variant.
Genome position (GRCh38, 1-based): chr10:133,366,972-133,366,975, AGTC duplicated on the plus strand (GACT on the coding strand, the reverse complement: ECHS1 is on the minus strand). VCF-style (leftmost placement, unchanged base first): chr10-133366971-G-GAGTC. GRCh37 (hg19) VCF-style: chr10-135180475-G-GAGTC.
Other names: short protein forms R181fs.
Identifiers: ClinVar variation 3616765 (VCV003616765.2).